The following is an entry in ClinVar:

ClinVar aggregate classification (germline): Uncertain significance. Review status: criteria provided, multiple submitters, no conflicts (2 of 4 stars). 2 submissions from 2 submitters: Uncertain significance (2). Last evaluated 2025-12-06.

Conditions:
Familial thoracic aortic aneurysm and aortic dissection (TAAD). Also called: Thoracic aortic aneurysms and dissections. Identifiers: Orphanet 91387, MedGen C4707243, MONDO:0019625.
Loeys-Dietz syndrome 2 (LDS2). Also called: Marfan Syndrome type 2; Marfan like connective tissue disorder; MFS 2; TGFBR2-Related Loeys-Dietz Syndrome; MARFAN SYNDROME, TYPE II; AORTIC ANEURYSM, FAMILIAL THORACIC 3. Identifiers: Orphanet 284973, Orphanet 558, MedGen C2674574, MONDO:0012427, OMIM 610168.

Allele frequency attached by ClinVar (database versions not stated): gnomAD exomes below 0.00001; ExAC 0.00002; ESP Exome Variant Server 0.00008.
gnomAD v4.1: 3 of 1,614,200 alleles (0.00019%); highest among the groups gnomAD compares: Non-Finnish European, 0.00025%; no homozygotes.

Submissions (2):

Labcorp Genetics (formerly Invitae), Labcorp
Classification: Uncertain significance for Familial thoracic aortic aneurysm and aortic dissection. Last evaluated: 2025-12-06. Review status: criteria provided, single submitter. Criteria: Invitae Variant Classification Sherloc (09022015). Collection method: clinical testing. Allele origin: germline.
Comment: This sequence change replaces threonine, which is neutral and polar, with methionine, which is neutral and non-polar, at codon 309 of the TGFBR2 protein (p.Thr309Met). This variant is present in population databases (rs202168735, gnomAD 0.002%). This variant has not been reported in the literature in individuals affected with TGFBR2-related conditions. ClinVar contains an entry for this variant (Variation ID: 2968575). Invitae Evidence Modeling of protein sequence and biophysical properties (such as structural, functional, and spatial information, amino acid conservation, physicochemical variation, residue mobility, and thermodynamic stability) indicates that this missense variant is expected to disrupt TGFBR2 protein function with a positive predictive value of 95%. In summary, the available evidence is currently insufficient to determine the role of this variant in disease. Therefore, it has been classified as a Variant of Uncertain Significance.

All of Us Research Program, National Institutes of Health
Classification: Uncertain significance for Loeys-Dietz syndrome 2. Last evaluated: 2024-03-05. Review status: criteria provided, single submitter. Criteria: ACMG Guidelines, 2015. Collection method: clinical testing. Allele origin: germline. Inheritance: Autosomal dominant inheritance. Observed: 1 variant allele, 1 heterozygote.
Comment: This study involves interpretation of variants in research participants for the purpose of population health screening. Participant phenotype was not available at the time of variant classification. Additional details can be found in publication PMID: 35346344, PMCID: PMC8962531

NM_003242.6(TGFBR2):c.926C>T (p.Thr309Met)

Gene: TGFBR2 (transforming growth factor beta receptor 2; plus strand). Cytogenetic location: 3p24.1.
Variant type: single nucleotide variant.
Coding change: c.926C>T on transcript NM_003242.6 (MANE Select); coding-DNA position 926, C replaced by T.
Protein change: p.Thr309Met; replaces threonine 309 with methionine.
Molecular consequence: missense variant. On other transcripts: intron variant (1).
Genome position (GRCh38, 1-based): chr3:30,672,109, C>T. VCF-style: chr3-30672109-C-T. GRCh37 (hg19) VCF-style: chr3-30713601-C-T.
Other names: c.1001C>T, p.Thr334Met (NM_001024847.3); c.1109C>T, p.Thr370Met (NM_001407126.1); c.1034C>T, p.Thr345Met (NM_001407127.1); c.953C>T, p.Thr318Met (NM_001407128.1); c.929C>T, p.Thr310Met (NM_001407129.1); c.926C>T, p.Thr309Met (NM_001407130.1); c.821C>T, p.Thr274Met (NM_001407132.1, NM_001407133.1, NM_001407134.1 and 2 more transcripts); c.641C>T, p.Thr214Met (NM_001407137.1); and 2 more; short protein forms T274M, T345M, T189M, T370M, T309M, T310M, T318M, T214M.
Identifiers: ClinVar variation 2968575 (VCV002968575.4), dbSNP rs202168735, ClinGen allele CA050182.
Genomic context (GRCh38, chr3:30,672,109, plus strand): 5'-CAGAGAAGGACATCTTCTCAGACATCAATCTGAAGCATGAGAACATACTCCAGTTCCTGA[C>T]GGCTGAGGAGCGGAAGACGGAGTTGGGGAAACAATACTGGCTGATCACCGCCTTCCACGC-3'
Protein context (NP_003233.4, residues 299-319): LKHENILQFL[Thr309Met]AEERKTELGK